The following is an entry in ClinVar:

ClinVar aggregate classification (germline): Conflicting classifications of pathogenicity. Review status: criteria provided, conflicting classifications (1 of 4 stars). 5 submissions from 5 submitters: Uncertain significance (4); Likely benign (1). Last evaluated 2026-03-26.

Conditions:
Hereditary cancer-predisposing syndrome. Also called: Tumor predisposition; Hereditary Cancer Syndrome; Neoplastic Syndromes, Hereditary; Hereditary neoplastic syndrome. Identifiers: Orphanet 140162, MedGen C0027672, MeSH D009386, MONDO:0015356.
Hereditary breast ovarian cancer syndrome. Also called: Hereditary breast and ovarian cancer; Hereditary breast and ovarian cancer syndrome (HBOC); Hereditary breast and ovarian cancer syndrome; Breast and ovarian cancer; Hereditary breast and/or ovarian cancer syndrome; BRCA1- and BRCA2-Associated Hereditary Breast and Ovarian Cancer. Identifiers: Orphanet 145, MedGen C0677776, MeSH D061325, MONDO:0003582. Disease mechanism: loss of function.
Breast-ovarian cancer, familial, susceptibility to, 2 (BROVCA2). Also called: BRCA2 Hereditary Breast and Ovarian Cancer. Identifiers: Orphanet 145, MedGen C2675520, MONDO:0012933, OMIM 612555. Disease mechanism: loss of function.
Familial cancer of breast. Also called: hereditary breast carcinoma; Hereditary breast cancer; BREAST CANCER, FAMILIAL. Identifiers: Orphanet 227535, MedGen C0346153, MONDO:0016419, OMIM 114480. Disease mechanism: loss of function.

Allele frequency attached by ClinVar (database versions not stated): gnomAD exomes below 0.00001.
gnomAD v4.1: 1 of 1,614,108 alleles (0.000062%); highest among the groups gnomAD compares: Non-Finnish European, 0.000085%; no homozygotes.

Submissions (5):

Ambry Genetics
Classification: Likely benign for Hereditary cancer-predisposing syndrome. Last evaluated: 2026-03-26. Review status: criteria provided, single submitter. Criteria: Ambry Variant Classification Scheme 2023. Collection method: clinical testing. Allele origin: germline.

Color Diagnostics, LLC DBA Color Health
Classification: Uncertain significance for Hereditary cancer-predisposing syndrome. Last evaluated: 2025-08-28. Review status: criteria provided, single submitter. Criteria: ACMG Guidelines, 2015. Collection method: clinical testing. Allele origin: germline.
Comment: This missense variant replaces isoleucine with valine at codon 3113 of the BRCA2 protein. Computational prediction is inconclusive regarding the impact of this variant on protein structure and function. Functional studies have reported that this variant does not impact BRCA2 in a haploid cell proliferation assay and in sensitivity assays to cisplatin and PARP inhibitor (PMID: 39779848, 39779857). This variant has been reported in an individual affected with breast cancer, and it has been detected in a breast cancer case-control meta-analysis in 1/60466 cases and 1/53461 unaffected individuals (PMID: 33471991, 35264596Leiden Open Variation Database DB-ID BRCA2_008754). This variant has not been identified in the general population by the Genome Aggregation Database (gnomAD). The available evidence is insufficient to determine the role of this variant in disease conclusively. Therefore, this variant is classified as a Variant of Uncertain Significance.

Labcorp Genetics (formerly Invitae), Labcorp
Classification: Uncertain significance for Hereditary breast ovarian cancer syndrome. Last evaluated: 2024-12-30. Review status: criteria provided, single submitter. Criteria: Invitae Variant Classification Sherloc (09022015). Collection method: clinical testing. Allele origin: germline.
Comment: This sequence change replaces isoleucine, which is neutral and non-polar, with valine, which is neutral and non-polar, at codon 3113 of the BRCA2 protein (p.Ile3113Val). This variant is not present in population databases (gnomAD no frequency). This missense change has been observed in individual(s) with breast cancer (PMID: 35264596). ClinVar contains an entry for this variant (Variation ID: 584866). Invitae Evidence Modeling of protein sequence and biophysical properties (such as structural, functional, and spatial information, amino acid conservation, physicochemical variation, residue mobility, and thermodynamic stability) indicates that this missense variant is not expected to disrupt BRCA2 protein function with a negative predictive value of 95%. In summary, the available evidence is currently insufficient to determine the role of this variant in disease. Therefore, it has been classified as a Variant of Uncertain Significance.

Baylor Genetics
Classification: Uncertain significance for Familial cancer of breast. Last evaluated: 2024-03-11. Review status: criteria provided, single submitter. Criteria: ACMG Guidelines, 2015. Collection method: clinical testing. Allele origin: unknown.

Mendelics
Classification: Uncertain significance for Breast-ovarian cancer, familial, susceptibility to, 2. Last evaluated: 2019-05-28. Review status: criteria provided, single submitter. Criteria: Mendelics Assertion Criteria 2017. Collection method: clinical testing. Allele origin: unknown.

Literature cited by the submitters: PubMed 39779848 (cited by Ambry Genetics and Color Diagnostics, LLC DBA Color Health); PubMed 39779857 (cited by Ambry Genetics and Color Diagnostics, LLC DBA Color Health); PubMed 33471991 (cited by Color Diagnostics, LLC DBA Color Health); PubMed 35264596 (cited by Color Diagnostics, LLC DBA Color Health and Labcorp Genetics (formerly Invitae), Labcorp).

NM_000059.4(BRCA2):c.9337A>G (p.Ile3113Val)

Gene: BRCA2 (BRCA2 DNA repair associated; plus strand). Cytogenetic location: 13q13.1.
Variant type: single nucleotide variant.
Coding change: c.9337A>G on transcript NM_000059.4 (MANE Select); coding-DNA position 9337, A replaced by G.
Protein change: p.Ile3113Val; replaces isoleucine 3113 with valine.
Molecular consequence: missense variant.
Genome position (GRCh38, 1-based): chr13:32,394,769, A>G. VCF-style: chr13-32394769-A-G. GRCh37 (hg19) VCF-style: chr13-32968906-A-G.
Other names: short protein forms I3113V.
Identifiers: ClinVar variation 584866 (VCV000584866.14), dbSNP rs1566258935, ClinGen allele CA387761038.
Genomic context (GRCh38, chr13:32,394,769, plus strand): 5'-TTGTCAGACGAATGTTACAATTTACTGGCAATAAAGTTTTGGATAGACCTTAATGAGGAC[A>G]TTATTAAGCCTCATATGTTAATTGCTGCAAGCAACCTCCAGTGGCGACCAGAATCCAAAT-3'
Protein context (NP_000050.3, residues 3103-3123): IKFWIDLNED[Ile3113Val]IKPHMLIAAS